The following is an entry in ClinVar:

ClinVar aggregate classification (germline): Uncertain significance (1 of 4 stars; one submission).

Conditions:
DICER1-related tumor predisposition. Also called: DICER1 syndrome; DICER1-related pleuropulmonary blastoma cancer predisposition syndrome. Identifiers: Orphanet 284343, MedGen C3839822, MONDO:0100216.

Submission:

Labcorp Genetics (formerly Invitae), Labcorp
Classification: Uncertain significance for DICER1-related tumor predisposition. Last evaluated: 2019-12-03. Review status: criteria provided, single submitter. Criteria: Invitae Variant Classification Sherloc (09022015). Collection method: clinical testing. Allele origin: germline.
Comment: This sequence change replaces threonine with alanine at codon 955 of the DICER1 protein (p.Thr955Ala). The threonine residue is highly conserved and there is a small physicochemical difference between threonine and alanine. In summary, the available evidence is currently insufficient to determine the role of this variant in disease. Therefore, it has been classified as a Variant of Uncertain Significance. Algorithms developed to predict the effect of missense changes on protein structure and function are either unavailable or do not agree on the potential impact of this missense change (SIFT: "Tolerated"; PolyPhen-2: "Probably Damaging"; Align-GVGD: "Class C0"). This variant has not been reported in the literature in individuals with DICER1-related conditions. This variant is not present in population databases (ExAC no frequency).

NM_177438.3(DICER1):c.2863A>G (p.Thr955Ala)

Gene: DICER1 (dicer 1, ribonuclease III; minus strand). Cytogenetic location: 14q32.13.
Variant type: single nucleotide variant.
Coding change: c.2863A>G on transcript NM_177438.3 (MANE Select); coding-DNA position 2863, A replaced by G.
Protein change: p.Thr955Ala; replaces threonine 955 with alanine.
Molecular consequence: missense variant.
Genome position (GRCh38, 1-based): chr14:95,106,165, T>C on the plus strand (A>G on the coding strand, the complement: DICER1 is on the minus strand). VCF-style: chr14-95106165-T-C. GRCh37 (hg19) VCF-style: chr14-95572502-T-C.
Other names: c.2863A>G, p.Thr955Ala (NM_001195573.1, NM_001271282.3, NM_001291628.2 and 1 more transcripts); short protein forms T955A.
Identifiers: ClinVar variation 854631 (VCV000854631.11), dbSNP rs1891405613, ClinGen allele CA390879100.